The following is an entry in ClinVar:

NM_007294.4(BRCA1):c.3285A>G (p.Lys1095=)

Genes: BRCA1 (BRCA1 DNA repair associated; minus strand), LOC126862571 (BRD4-independent group 4 enhancer GRCh37_chr17:41243136-41244335; plus strand). Cytogenetic location: 17q21.31.
Variant type: single nucleotide variant.
Coding change: c.3285A>G on transcript NM_007294.4 (MANE Select); coding-DNA position 3285, A replaced by G.
Protein change: p.Lys1095=; no amino-acid change (lysine 1095 retained).
Molecular consequence: synonymous variant. On other transcripts: intron variant (137).
Genome position (GRCh38, 1-based): chr17:43,092,246, T>C on the plus strand (A>G on the coding strand, the complement: BRCA1 is on the minus strand). VCF-style: chr17-43092246-T-C. GRCh37 (hg19) VCF-style: chr17-41244263-T-C.
Other names: c.3072A>G, p.Lys1024= (NM_001407571.1, NM_001407853.1, NM_001407894.1 and 9 more transcripts); c.3285A>G, p.Lys1095= (NM_001407581.1, NM_001407582.1, NM_001407583.1 and 30 more transcripts); c.3282A>G, p.Lys1094= (NM_001407587.1, NM_001407590.1, NM_001407591.1 and 22 more transcripts); c.3276A>G, p.Lys1092= (NM_001407646.1, NM_001407647.1); c.3162A>G, p.Lys1054= (NM_001407648.1, NM_001407664.1, NM_001407665.1 and 19 more transcripts); c.3159A>G, p.Lys1053= (NM_001407649.1, NM_001407670.1, NM_001407671.1 and 11 more transcripts); c.3207A>G, p.Lys1069= (NM_001407653.1, NM_001407654.1, NM_001407655.1 and 4 more transcripts); c.3204A>G, p.Lys1068= (NM_001407659.1, NM_001407660.1, NM_001407661.1 and 1 more transcripts); and 41 more.
Identifiers: ClinVar variation 2089440 (VCV002089440.12), dbSNP rs2154331777, ClinGen allele CA500232677.

ClinVar aggregate classification (germline): Likely benign. Review status: criteria provided, multiple submitters, no conflicts (2 of 4 stars). 2 submissions from 2 submitters: Likely benign (2). Last evaluated 2025-08-01.

Conditions:
Hereditary breast ovarian cancer syndrome. Also called: Hereditary breast and ovarian cancer syndrome; Hereditary breast and ovarian cancer; Breast and ovarian cancer; BRCA1- and BRCA2-Associated Hereditary Breast and Ovarian Cancer; Hereditary breast and/or ovarian cancer syndrome; Hereditary breast and ovarian cancer syndrome (HBOC). Identifiers: Orphanet 145, MedGen C0677776, MeSH D061325, MONDO:0003582. Disease mechanism: loss of function.

Submissions (2):

CeGaT Center for Human Genetics Tuebingen
Classification: Likely benign. Last evaluated: 2025-08-01. Review status: criteria provided, single submitter. Criteria: CeGaT Center For Human Genetics Tuebingen Variant Classification Criteria Version 2. Collection method: clinical testing. Allele origin: germline. Affected: yes. Observed: 1 variant allele.
Comment: BRCA1: PM2:Supporting, BP4, BP7

Labcorp Genetics (formerly Invitae), Labcorp
Classification: Likely benign for Hereditary breast ovarian cancer syndrome. Last evaluated: 2022-01-26. Review status: criteria provided, single submitter. Criteria: Invitae Variant Classification Sherloc (09022015). Collection method: clinical testing. Allele origin: germline.